The following is an entry in ClinVar:

NM_001844.5(COL2A1):c.2423C>T (p.Pro808Leu)

Gene: COL2A1 (collagen type II alpha 1 chain; minus strand). Cytogenetic location: 12q13.11.
Variant type: single nucleotide variant.
Coding change: c.2423C>T on transcript NM_001844.5 (MANE Select); coding-DNA position 2423, C replaced by T.
Protein change: p.Pro808Leu; replaces proline 808 with leucine.
Molecular consequence: missense variant.
Genome position (GRCh38, 1-based): chr12:47,981,383, G>A on the plus strand (C>T on the coding strand, the complement: COL2A1 is on the minus strand). VCF-style: chr12-47981383-G-A. GRCh37 (hg19) VCF-style: chr12-48375166-G-A.
Other names: c.2216C>T, p.Pro739Leu (NM_033150.3); c.2423C>T (NM_001844.4); short protein forms P808L, P739L.
Identifiers: ClinVar variation 1930241 (VCV001930241.7), dbSNP rs2540127297, ClinGen allele CA384545271.

ClinVar aggregate classification (germline): Uncertain significance. Review status: criteria provided, multiple submitters, no conflicts (2 of 4 stars). 3 submissions from 3 submitters: Uncertain significance (3). Last evaluated 2026-05-19.

Conditions:
Inborn genetic diseases. Identifiers: MedGen C0950123, MeSH D030342.

Submissions (3):

Ambry Genetics
Classification: Uncertain significance for Inborn genetic diseases. Last evaluated: 2026-05-19. Review status: criteria provided, single submitter. Criteria: Ambry Variant Classification Scheme 2023. Collection method: clinical testing. Allele origin: germline.

Blueprint Genetics
Classification: Uncertain significance. Last evaluated: 2024-10-15. Review status: criteria provided, single submitter. Criteria: ACMG Guidelines, 2015. Collection method: clinical testing. Allele origin: germline.

Labcorp Genetics (formerly Invitae), Labcorp
Classification: Uncertain significance. Last evaluated: 2022-09-23. Review status: criteria provided, single submitter. Criteria: Invitae Variant Classification Sherloc (09022015). Collection method: clinical testing. Allele origin: germline.
Comment: This sequence change replaces proline, which is neutral and non-polar, with leucine, which is neutral and non-polar, at codon 808 of the COL2A1 protein (p.Pro808Leu). This variant is not present in population databases (gnomAD no frequency). This variant has not been reported in the literature in individuals affected with COL2A1-related conditions. Advanced modeling of protein sequence and biophysical properties (such as structural, functional, and spatial information, amino acid conservation, physicochemical variation, residue mobility, and thermodynamic stability) performed at Invitae indicates that this missense variant is not expected to disrupt COL2A1 protein function. In summary, the available evidence is currently insufficient to determine the role of this variant in disease. Therefore, it has been classified as a Variant of Uncertain Significance.